The following is an entry in ClinVar:

ClinVar aggregate classification (germline): Uncertain significance (1 of 4 stars; one submission).

Submission:

GeneDx
Classification: Uncertain significance. Last evaluated: 2023-10-17. Review status: criteria provided, single submitter. Criteria: GeneDx Variant Classification Process June 2021. Collection method: clinical testing. Allele origin: germline. Affected: yes.
Comment: Not observed at significant frequency in large population cohorts (gnomAD); In silico analysis supports that this missense variant has a deleterious effect on protein structure/function; Has not been previously published as pathogenic or benign to our knowledge

NM_005378.6(MYCN):c.1390T>G (p.Cys464Gly)

Gene: MYCN (MYCN proto-oncogene, bHLH transcription factor; plus strand). Cytogenetic location: 2p24.3.
Variant type: single nucleotide variant.
Coding change: c.1390T>G on transcript NM_005378.6 (MANE Select); coding-DNA position 1390, T replaced by G.
Protein change: p.Cys464Gly; replaces cysteine 464 with glycine.
Molecular consequence: missense variant. On other transcripts: 3 prime UTR variant (1).
Genome position (GRCh38, 1-based): chr2:15,946,092, T>G. VCF-style: chr2-15946092-T-G. GRCh37 (hg19) VCF-style: chr2-16086214-T-G.
Other names: c.1390T>G, p.Cys464Gly (NM_001293228.2); c.757T>G, p.Cys253Gly (NM_001293231.2); c.*1325T>G (NM_001293233.2); short protein forms C253G, C464G.
Identifiers: ClinVar variation 3366203 (VCV003366203.1).
Genomic context (GRCh38, chr2:15,946,092, plus strand): 5'-AAGGAAAAATTGCAGGCAAGACAGCAGCAGTTGCTAAAGAAAATTGAACACGCTCGGACT[T>G]GCTAGACGCTTCTCAAAACTGGACAGTCACTGCCACTTTGCACATTTTGATTTTTTTTTT-3'
Protein context (NP_005369.2, residues 454-464): LLKKIEHART[Cys464Gly]